The following is an entry in ClinVar:

NM_003467.3(CXCR4):c.1025_1026del (p.Thr342fs)

Gene: CXCR4 (C-X-C motif chemokine receptor 4; minus strand). Cytogenetic location: 2q22.1.
Variant type: Deletion.
Coding change: c.1025_1026del on transcript NM_003467.3 (MANE Select); coding-DNA positions 1025 to 1026, 2 bases deleted (CT; older notation c.1025_1026delCT).
Protein change: p.Thr342fs; shifts the reading frame from threonine 342.
Molecular consequence: frameshift variant.
Genome position (GRCh38, 1-based): chr2:136,114,902-136,114,903, AG deleted on the plus strand (CT on the coding strand, the reverse complement: CXCR4 is on the minus strand). VCF-style (leftmost placement, unchanged base first): chr2-136114901-CAG-C. GRCh37 (hg19) VCF-style: chr2-136872471-CAG-C.
Other names: c.1037_1038del, p.Thr346fs (NM_001008540.2); c.1238_1239del, p.Thr413fs (NM_001348056.2); c.1124_1125del, p.Thr375fs (NM_001348059.2); c.980_981del, p.Thr327fs (NM_001348060.2); short protein forms T342fs, T413fs, T327fs, T346fs, T375fs.
Identifiers: ClinVar variation 1494228 (VCV001494228.8), dbSNP rs2104915518, ClinGen allele CA645539203.
Genomic context (GRCh38, chr2:136,114,901, plus strand): 5'-GTATAAAAAAAAGTCTTTTACATCTGTGTTAGCTGGAGTGAAAACTTGAAGACTCAGACT[CAG>C]TGGAAACAGATGAATGTCCACCTCGCTTTCCTTTGGAGAGGATCTTGAGGCTGGACCCTC-3'

ClinVar aggregate classification (germline): Pathogenic (1 of 4 stars; one submission).

Conditions:
Warts, hypogammaglobulinemia, infections, and myelokathexis. Also called: WHIM syndrome. Identifiers: MedGen C0472817, MONDO:0023880.

Submission:

Labcorp Genetics (formerly Invitae), Labcorp
Classification: Pathogenic for Warts, hypogammaglobulinemia, infections, and myelokathexis. Last evaluated: 2023-06-08. Review status: criteria provided, single submitter. Criteria: Invitae Variant Classification Sherloc (09022015). Collection method: clinical testing. Allele origin: germline.
Comment: This sequence change creates a premature translational stop signal (p.Thr342Argfs*3) in the CXCR4 gene. While this is not anticipated to result in nonsense mediated decay, it is expected to disrupt the last 11 amino acid(s) of the CXCR4 protein. This variant is not present in population databases (gnomAD no frequency). For these reasons, this variant has been classified as Pathogenic. This variant is located in a region of the CXCR4 protein where a significant number of CXCR4 nonsense and frameshift mutations have been reported in association with autosomal dominant WHIM syndrome (PMID: 31313072, 32784523, 35947323, 36089616). Experimental studies have shown that this premature translational stop signal affects CXCR4 function (external communication). Algorithms developed to predict the effect of variants on protein structure and function are not available or were not evaluated for this variant. ClinVar contains an entry for this variant (Variation ID: 1494228). This premature translational stop signal has been observed in individual(s) with warts, hypogammaglobulinemia, infections, and myelokathexis syndrome (Invitae).

Literature cited by the submitters: PubMed 31313072; PubMed 32784523; PubMed 35947323; PubMed 36089616.